The following is an entry in ClinVar:

ClinVar aggregate classification (germline): Uncertain significance (1 of 4 stars; one submission).

Submission:

Ambry Genetics
Classification: Uncertain significance. Last evaluated: 2022-07-19. Review status: criteria provided, single submitter. Criteria: Ambry Variant Classification Scheme 2023. Collection method: clinical testing. Allele origin: germline.
Comment: The p.R1729S variant (also known as c.5185C>A), located in coding exon 45 of the KIF1B gene, results from a C to A substitution at nucleotide position 5185. The arginine at codon 1729 is replaced by serine, an amino acid with dissimilar properties. This amino acid position is conserved. In addition, the in silico prediction for this alteration is inconclusive. Since supporting evidence is limited at this time, the clinical significance of this alteration remains unclear.

NM_001365951.3(KIF1B):c.5323C>A (p.Arg1775Ser)

Gene: KIF1B (kinesin family member 1B; plus strand). Cytogenetic location: 1p36.22.
Variant type: single nucleotide variant.
Coding change: c.5323C>A on transcript NM_001365951.3 (MANE Select); coding-DNA position 5323, C replaced by A.
Protein change: p.Arg1775Ser; replaces arginine 1775 with serine.
Molecular consequence: missense variant.
Genome position (GRCh38, 1-based): chr1:10,375,288, C>A. VCF-style: chr1-10375288-C-A. GRCh37 (hg19) VCF-style: chr1-10435346-C-A.
Other names: c.5323C>A, p.Arg1775Ser (NM_001365952.1); c.5185C>A, p.Arg1729Ser (NM_015074.3); short protein forms R1729S, R1775S.
Identifiers: ClinVar variation 1745879 (VCV001745879.2), dbSNP rs769837316, ClinGen allele CA338331776.
Genomic context (GRCh38, chr1:10,375,288, plus strand): 5'-TCTTGTCTACCTGCATTTTTCTTTCAGACACCAAACACCTTTGCTGTCTGCACAAAGCAC[C>A]GTGGGGTCCTTTTGCAGGCCCTCAATGACAAAGACATGAACGACTGGTTGTATGCCTTCA-3'
Protein context (NP_001352880.1, residues 1765-1785): PNTFAVCTKH[Arg1775Ser]GVLLQALNDK